The following is an entry in ClinVar:

ClinVar aggregate classification (germline): Uncertain significance (1 of 4 stars; one submission).

Submission:

Labcorp Genetics (formerly Invitae), Labcorp
Classification: Uncertain significance. Last evaluated: 2024-05-28. Review status: criteria provided, single submitter. Criteria: Invitae Variant Classification Sherloc (09022015). Collection method: clinical testing. Allele origin: germline.
Comment: This sequence change replaces valine, which is neutral and non-polar, with phenylalanine, which is neutral and non-polar, at codon 132 of the LZTR1 protein (p.Val132Phe). This variant is not present in population databases (gnomAD no frequency). This variant has not been reported in the literature in individuals affected with LZTR1-related conditions. Advanced modeling of protein sequence and biophysical properties (such as structural, functional, and spatial information, amino acid conservation, physicochemical variation, residue mobility, and thermodynamic stability) performed at Invitae indicates that this missense variant is not expected to disrupt LZTR1 protein function with a negative predictive value of 80%. In summary, the available evidence is currently insufficient to determine the role of this variant in disease. Therefore, it has been classified as a Variant of Uncertain Significance.

NM_006767.4(LZTR1):c.394G>T (p.Val132Phe)

Gene: LZTR1 (leucine zipper like post translational regulator 1; plus strand). Cytogenetic location: 22q11.21.
Variant type: single nucleotide variant.
Coding change: c.394G>T on transcript NM_006767.4 (MANE Select); coding-DNA position 394, G replaced by T.
Protein change: p.Val132Phe; replaces valine 132 with phenylalanine.
Molecular consequence: missense variant.
Genome position (GRCh38, 1-based): chr22:20,987,577, G>T. VCF-style: chr22-20987577-G-T. GRCh37 (hg19) VCF-style: chr22-21341866-G-T.
Other names: short protein forms V132F.
Identifiers: ClinVar variation 3669063 (VCV003669063.2).
Genomic context (GRCh38, chr22:20,987,577, plus strand): 5'-GGGACCCCACCGGCCCCCCGTTACCACCACTCGGCCGTCGTCTATGGGAGCAGCATGTTT[G>T]TCTTTGGTAAGCAGCCTCTTGCCTCCCAGGGGCTGTGTCGCCCCGAGGCCCACAGACACC-3'
Protein context (NP_006758.2, residues 122-142): SAVVYGSSMF[Val132Phe]FGGYTGDIYS